The following is an entry in ClinVar:

NM_001351132.2(PEX5):c.-17+240G>A

Gene: PEX5 (peroxisomal biogenesis factor 5; plus strand). Cytogenetic location: 12p13.31.
Variant type: single nucleotide variant.
Coding change: c.-17+240G>A on transcript NM_001351132.2 (MANE Select); 240 bases into the intron after 17 bases upstream of the start codon, G replaced by A.
Molecular consequence: intron variant. On other transcripts: 5 prime UTR variant (5).
Genome position (GRCh38, 1-based): chr12:7,189,990, G>A. VCF-style: chr12-7189990-G-A. GRCh37 (hg19) VCF-style: chr12-7342586-G-A.
Other names: c.-243G>A (NM_001131025.2, NM_001351130.3); c.-388G>A (NM_001374647.2, NM_001374648.2, NM_001374649.2); c.-16-372G>A (NM_001351124.3, NM_001351131.2, NM_001351126.2); c.-211-32G>A (NM_001131026.2, NM_001351133.2, NM_001351127.2 and 1 more transcripts); c.-17+240G>A (NM_001374646.1, NM_001131023.2, NM_001351138.2 and 4 more transcripts); c.-17+10G>A (NM_001351135.3, NM_001300789.3, NM_001351137.3); c.-90+240G>A (NM_001351134.2, NM_001351128.2); c.-15+240G>A (NM_001374645.1); and 1 more.
Identifiers: ClinVar variation 310413 (VCV000310413.6), dbSNP rs754651589, ClinGen allele CA6425954.
Genomic context (GRCh38, chr12:7,189,990, plus strand): 5'-GGGAATGCTCCTCTGCCGTGCTCACCGCGTGCTGGGGCTGCGCGGGGCTAGGTATGGTCG[G>A]GCTGTTTTCCCACTGTCCCTTCTTCGGGCAGTGTCGCCGTCCAGCCTGGTTGTTGAAGCG-3'

ClinVar aggregate classification (germline): Uncertain significance. Review status: criteria provided, single submitter (1 of 4 stars). 2 submissions from 2 submitters: Uncertain significance (1). 1 of the submissions does not count toward it. Last evaluated 2018-01-12.

Conditions:
PEX5-related disorder. Also called: PEX5-Related Disorders; PEX5-related condition.
Peroxisome biogenesis disorder 2A (Zellweger) (PBD2A). Also called: Cerebrohepatorenal syndrome, variant types. Identifiers: Orphanet 912, MedGen C3550273, MONDO:0008954, OMIM 214110.

Allele frequency attached by ClinVar (database versions not stated): TOPMed below 0.00001; gnomAD 0.00001 and 0.00004; gnomAD exomes 0.00004 and 0.00013; ExAC 0.00069.
gnomAD v4.1: 59 of 1,501,876 alleles (0.0039%); highest among the groups gnomAD compares: South Asian, 0.069%; 1 homozygote.

Submissions (2):

Illumina Laboratory Services, Illumina
Classification: Uncertain significance for Peroxisome biogenesis disorder 2A (Zellweger). Last evaluated: 2018-01-12. Review status: criteria provided, single submitter. Criteria: ICSL Variant Classification Criteria 13 December 2019. Collection method: clinical testing. Allele origin: germline.

PreventionGenetics, part of Exact Sciences
Classification: Likely benign for PEX5-related condition. Last evaluated: 2024-04-25. Review status: no assertion criteria provided. Collection method: clinical testing. Allele origin: germline. Not counted in ClinVar's aggregate classification.
Comment: This variant is classified as likely benign based on ACMG/AMP sequence variant interpretation guidelines (Richards et al. 2015 PMID: 25741868, with internal and published modifications).